The following is an entry in ClinVar:

ClinVar aggregate classification (germline): Conflicting classifications of pathogenicity. Review status: criteria provided, conflicting classifications (1 of 4 stars). 3 submissions from 3 submitters: Uncertain significance (1); Likely benign (2). Last evaluated 2025-12-20.

Conditions:
Dyskeratosis congenita, autosomal recessive 6 (DKCB6). Identifiers: MedGen C4225356, MONDO:0014600, OMIM 616353.
Pulmonary fibrosis and/or bone marrow failure, Telomere-related, 4. Also called: PULMONARY FIBROSIS AND/OR BONE MARROW FAILURE SYNDROME, TELOMERE-RELATED, 4. Identifiers: Orphanet 2032, MedGen C4225347, MONDO:0014612, OMIM 616371.
Inborn genetic diseases. Identifiers: MedGen C0950123, MeSH D030342.

Allele frequency attached by ClinVar (database versions not stated): 1000 Genomes Project 0.00020; ExAC 0.00045; gnomAD 0.00051 and 0.00048; 1000 Genomes Project 30x 0.00078; ESP Exome Variant Server 0.00057; TOPMed 0.00057.
gnomAD v4.1: 170 of 1,591,366 alleles (0.011%); highest among the groups gnomAD compares: African/African-American, 0.17%; no homozygotes.

Submissions (3):

Labcorp Genetics (formerly Invitae), Labcorp
Classification: Likely benign for Dyskeratosis congenita, autosomal recessive 6; Pulmonary fibrosis and/or bone marrow failure, Telomere-related, 4. Last evaluated: 2025-12-20. Review status: criteria provided, single submitter. Criteria: Invitae Variant Classification Sherloc (09022015). Collection method: clinical testing. Allele origin: germline.

Ambry Genetics
Classification: Likely benign for Inborn genetic diseases. Last evaluated: 2023-02-15. Review status: criteria provided, single submitter. Criteria: Ambry Variant Classification Scheme 2023. Collection method: clinical testing. Allele origin: germline.

Genetic Services Laboratory, University of Chicago
Classification: Uncertain significance. Last evaluated: 2021-05-03. Review status: criteria provided, single submitter. Criteria: ACMG Guidelines, 2015. Collection method: clinical testing. Allele origin: germline. Affected: no.
Comment: DNA sequence analysis of the PARN gene demonstrated a sequence change, c.1874C>T, in exon 24 that results in an amino acid change, p.Ser625Leu. This sequence change has been described in gnomAD with a frequency of 0.19% in the African/African-American sub-population (dbSNP rs201963032). The p.Ser625Leu change affects a poorly conserved amino acid residue located in a domain of the PARN protein that is not known to be functional. The p.Ser625Leu substitution appears to be benign using several in-silico pathogenicity prediction tools (SIFT, PolyPhen2, Align GVGD, REVEL). This sequence change does not appear to have been previously described in patients with PARN-related disorders. Due to the lack of sufficient evidences, the clinical significance of the p.Ser625Leu change remains unknown at this time.

NM_002582.4(PARN):c.1874C>T (p.Ser625Leu)

Gene: PARN (poly(A)-specific ribonuclease; minus strand). Cytogenetic location: 16p13.12.
Variant type: single nucleotide variant.
Coding change: c.1874C>T on transcript NM_002582.4 (MANE Select); coding-DNA position 1874, C replaced by T.
Protein change: p.Ser625Leu; replaces serine 625 with leucine.
Molecular consequence: missense variant.
Genome position (GRCh38, 1-based): chr16:14,436,763, G>A on the plus strand (C>T on the coding strand, the complement: PARN is on the minus strand). VCF-style: chr16-14436763-G-A. GRCh37 (hg19) VCF-style: chr16-14530620-G-A.
Other names: c.1691C>T, p.Ser564Leu (NM_001134477.3); c.1736C>T, p.Ser579Leu (NM_001242992.2); short protein forms S625L, S564L, S579L.
Identifiers: ClinVar variation 738489 (VCV000738489.16), dbSNP rs201963032, ClinGen allele CA7911899.